The following is an entry in ClinVar:

NM_001256545.2(MEGF10):c.2105-322G>T

Gene: MEGF10 (multiple EGF like domains 10; plus strand). Cytogenetic location: 5q23.2.
Variant type: single nucleotide variant.
Coding change: c.2105-322G>T on transcript NM_001256545.2 (MANE Select); 322 bases into the intron before coding-DNA position 2105, G replaced by T.
Molecular consequence: intron variant.
Genome position (GRCh38, 1-based): chr5:127,438,117, G>T. VCF-style: chr5-127438117-G-T. GRCh37 (hg19) VCF-style: chr5-126773809-G-T.
Other names: c.2105-322G>T (NM_032446.3).
Identifiers: ClinVar variation 673828 (VCV000673828.1), dbSNP rs73783795, ClinGen allele CA126961954.

ClinVar aggregate classification (germline): Benign (1 of 4 stars; one submission).

Allele frequency attached by ClinVar (database versions not stated): gnomAD 0.04439 and 0.04589; 1000 Genomes Project 0.04493; 1000 Genomes Project 30x 0.04513; TOPMed 0.04801.
gnomAD v4.1: 6,700 of 152,102 alleles (4.4%); highest among the groups gnomAD compares: African/African-American, 8.2%; 188 homozygotes.

Submission:

GeneDx
Classification: Benign. Last evaluated: 2018-06-16. Review status: criteria provided, single submitter. Criteria: GeneDx Variant Classification (06012015). Collection method: clinical testing. Allele origin: germline. Affected: yes.
Comment: This variant is considered likely benign or benign based on one or more of the following criteria: it is a conservative change, it occurs at a poorly conserved position in the protein, it is predicted to be benign by multiple in silico algorithms, and/or has population frequency not consistent with disease.